The following is an entry in ClinVar:

NM_002755.4(MAP2K1):c.149T>C (p.Leu50Pro)

Gene: MAP2K1 (mitogen-activated protein kinase kinase 1; plus strand). Cytogenetic location: 15q22.31.
Variant type: single nucleotide variant.
Coding change: c.149T>C on transcript NM_002755.4 (MANE Select); coding-DNA position 149, T replaced by C.
Protein change: p.Leu50Pro; replaces leucine 50 with proline.
Molecular consequence: missense variant.
Genome position (GRCh38, 1-based): chr15:66,435,095, T>C. VCF-style: chr15-66435095-T-C. GRCh37 (hg19) VCF-style: chr15-66727433-T-C.
Other names: short protein forms L50P.
Identifiers: ClinVar variation 1206943 (VCV001206943.7), dbSNP rs2140578834, ClinGen allele CA392929161.
Genomic context (GRCh38, chr15:66,435,095, plus strand): 5'-TGGAGGCCTTGCAGAAGAAGCTGGAGGAGCTAGAGCTTGATGAGCAGCAGCGAAAGCGCC[T>C]TGAGGCCTTTCTTACCCAGAAGCAGAAGGTGGGAGAACTGAAGGATGACGACTTTGAGAA-3'
Protein context (NP_002746.1, residues 40-60): LELDEQQRKR[Leu50Pro]EAFLTQKQKV

ClinVar aggregate classification (germline): Conflicting classifications of pathogenicity. Review status: criteria provided, conflicting classifications (1 of 4 stars). 3 submissions from 3 submitters: Pathogenic (1); Likely pathogenic (1); Uncertain significance (1). Last evaluated 2025-09-24.

Conditions:
MAP2K1-related disorder. Also called: MAP2K1-related disorders; MAP2K1-related condition.
RASopathy. Also called: rasopathies; Noonan spectrum disorder. Identifiers: Orphanet 536391, MedGen C5555857, MONDO:0021060.

Submissions (3):

PreventionGenetics, part of Exact Sciences
Classification: Likely pathogenic for MAP2K1-related condition. Last evaluated: 2025-09-24. Review status: criteria provided, single submitter. Criteria: ACMG Guidelines, 2015. Collection method: clinical testing. Allele origin: germline.
Comment: The MAP2K1 c.149T>C variant is predicted to result in the amino acid substitution p.Leu50Pro. This variant was reported to occur de novo in an individual with features of cardio-facio-cutaneous syndrome (Caswell et al. 2022. PubMed ID: 35869530). This variant has not been reported in a large population database (gnomAD), indicating this variant is rare. This variant is interpreted as likely pathogenic.

Labcorp Genetics (formerly Invitae), Labcorp
Classification: Uncertain significance for RASopathy. Last evaluated: 2023-08-01. Review status: criteria provided, single submitter. Criteria: Invitae Variant Classification Sherloc (09022015). Collection method: clinical testing. Allele origin: germline.
Comment: This sequence change replaces leucine, which is neutral and non-polar, with proline, which is neutral and non-polar, at codon 50 of the MAP2K1 protein (p.Leu50Pro). This variant is not present in population databases (gnomAD no frequency). This variant has not been reported in the literature in individuals affected with MAP2K1-related conditions. ClinVar contains an entry for this variant (Variation ID: 1206943). Advanced modeling of protein sequence and biophysical properties (such as structural, functional, and spatial information, amino acid conservation, physicochemical variation, residue mobility, and thermodynamic stability) has been performed at Invitae for this missense variant, however the output from this modeling did not meet the statistical confidence thresholds required to predict the impact of this variant on MAP2K1 protein function. In summary, the available evidence is currently insufficient to determine the role of this variant in disease. Therefore, it has been classified as a Variant of Uncertain Significance.

GeneDx
Classification: Pathogenic. Last evaluated: 2020-01-09. Review status: criteria provided, single submitter. Criteria: GeneDx Variant Classification Process June 2021. Collection method: clinical testing. Allele origin: germline. Affected: yes.
Comment: Not observed in large population cohorts (Lek et al., 2016); The majority of missense variants in this gene are considered pathogenic (Stenson et al., 2014); In silico analysis, which includes protein predictors and evolutionary conservation, supports a deleterious effect; Has not been previously published as pathogenic or benign to our knowledge